The following is an entry in ClinVar:

ClinVar aggregate classification (germline): Uncertain significance (1 of 4 stars; one submission).

Conditions:
Hereditary spastic paraplegia 49 (HSAN9). Also called: Spastic paraplegia 49, autosomal recessive; TECPR2-Related Hereditary Sensory and Autonomic Neuropathy with Intellectual Disability; NEUROPATHY, HEREDITARY SENSORY AND AUTONOMIC, TYPE IX, WITH DEVELOPMENTAL DELAY. Identifiers: Orphanet 320385, MedGen C5190860, MONDO:0014016, OMIM 615031.

gnomAD v4.1: 5 of 1,614,138 alleles (0.00031%); highest among the groups gnomAD compares: Non-Finnish European, 0.00042%; no homozygotes.

Submission:

Labcorp Genetics (formerly Invitae), Labcorp
Classification: Uncertain significance for Hereditary spastic paraplegia 49. Last evaluated: 2022-06-10. Review status: criteria provided, single submitter. Criteria: Invitae Variant Classification Sherloc (09022015). Collection method: clinical testing. Allele origin: germline.
Comment: This sequence change replaces tyrosine, which is neutral and polar, with cysteine, which is neutral and slightly polar, at codon 58 of the TECPR2 protein (p.Tyr58Cys). This variant is present in population databases (no rsID available, gnomAD 0.0009%). This variant has not been reported in the literature in individuals affected with TECPR2-related conditions. Algorithms developed to predict the effect of missense changes on protein structure and function (SIFT, PolyPhen-2, Align-GVGD) all suggest that this variant is likely to be disruptive. In summary, the available evidence is currently insufficient to determine the role of this variant in disease. Therefore, it has been classified as a Variant of Uncertain Significance.

NM_014844.5(TECPR2):c.173A>G (p.Tyr58Cys)

Gene: TECPR2 (tectonin beta-propeller repeat containing 2; plus strand). Cytogenetic location: 14q32.31.
Variant type: single nucleotide variant.
Coding change: c.173A>G on transcript NM_014844.5 (MANE Select); coding-DNA position 173, A replaced by G.
Protein change: p.Tyr58Cys; replaces tyrosine 58 with cysteine.
Molecular consequence: missense variant.
Genome position (GRCh38, 1-based): chr14:102,376,894, A>G. VCF-style: chr14-102376894-A-G. GRCh37 (hg19) VCF-style: chr14-102843231-A-G.
Other names: c.173A>G, p.Tyr58Cys (NM_001172631.3); short protein forms Y58C.
Identifiers: ClinVar variation 2154661 (VCV002154661.1), dbSNP rs752289754, ClinGen allele CA391041453.